The following is an entry in ClinVar:

NM_003049.4(SLC10A1):c.575T>C (p.Met192Thr)

Gene: SLC10A1 (solute carrier family 10 member 1; minus strand). Cytogenetic location: 14q24.1.
Variant type: single nucleotide variant.
Coding change: c.575T>C on transcript NM_003049.4 (MANE Select); coding-DNA position 575, T replaced by C.
Protein change: p.Met192Thr; replaces methionine 192 with threonine.
Molecular consequence: missense variant.
Genome position (GRCh38, 1-based): chr14:69,779,353, A>G on the plus strand (T>C on the coding strand, the complement: SLC10A1 is on the minus strand). VCF-style: chr14-69779353-A-G. GRCh37 (hg19) VCF-style: chr14-70246070-A-G.
Other names: p.Met192Thr; short protein forms M192T.
Identifiers: ClinVar variation 3380219 (VCV003380219.1).

ClinVar aggregate classification (germline): Uncertain significance (1 of 4 stars; one submission).

Submission:

Mayo Clinic Laboratories, Mayo Clinic
Classification: Uncertain significance. Last evaluated: 2023-07-06. Review status: criteria provided, single submitter. Criteria: ACMG Guidelines, 2015. Collection method: clinical testing. Allele origin: germline. Observed: 1 variant allele.
Comment: BP4, PM2_moderate